The following is an entry in ClinVar:

ClinVar aggregate classification (germline): Uncertain significance (1 of 4 stars; one submission).

Conditions:
Hereditary spastic paraplegia. Also called: Familial spastic paraparesis. Identifiers: Orphanet 685, MedGen C0037773, MONDO:0019064. Disease mechanism: loss of function.

Submission:

Labcorp Genetics (formerly Invitae), Labcorp
Classification: Uncertain significance for Hereditary spastic paraplegia. Last evaluated: 2018-02-09. Review status: criteria provided, single submitter. Criteria: Invitae Variant Classification Sherloc (09022015). Collection method: clinical testing. Allele origin: germline.
Comment: This variant is a gross duplication of the genomic region encompassing exons 18-20 of the USP8 gene. The 5' boundary is likely confined to intron 17. The 3' end of this event is unknown as it extends beyond the assayed region for this gene and therefore may encompass additional genes. The exact location of this variant in the genome is unknown. This variant has not been reported in the literature in individuals with USP8-related disease. In summary, the available evidence is currently insufficient to determine the role of this variant in disease. Therefore, it has been classified as a Variant of Uncertain Significance.

NC_000015.9:g.(?_50789266)_(50791305_?)dup

Genes: USP50 (ubiquitin specific peptidase 50; minus strand), USP8 (ubiquitin specific peptidase 8; plus strand). Cytogenetic location: 15q21.2.
Variant type: Duplication.
Identifiers: ClinVar variation 584095 (VCV000584095.2).